The following is an entry in ClinVar:

ClinVar aggregate classification (germline): Uncertain significance (0 of 4 stars; one submission).

Conditions:
EP300-related disorder. Also called: EP300-related condition; EP300-related disorders.

Submission:

PreventionGenetics, part of Exact Sciences
Classification: Uncertain significance for EP300-related condition. Last evaluated: 2024-03-14. Review status: no assertion criteria provided. Collection method: clinical testing. Allele origin: germline.
Comment: The EP300 c.6269C>A variant is predicted to result in the amino acid substitution p.Ala2090Asp. To our knowledge, this variant has not been reported in the literature or in a large population database, indicating this variant is rare. At this time, the clinical significance of this variant is uncertain due to the absence of conclusive functional and genetic evidence.

NM_001429.4(EP300):c.6269C>A (p.Ala2090Asp)

Gene: EP300 (E1A binding protein p300; plus strand). Cytogenetic location: 22q13.2.
Variant type: single nucleotide variant.
Coding change: c.6269C>A on transcript NM_001429.4 (MANE Select); coding-DNA position 6269, C replaced by A.
Protein change: p.Ala2090Asp; replaces alanine 2090 with aspartic acid.
Molecular consequence: missense variant.
Genome position (GRCh38, 1-based): chr22:41,177,980, C>A. VCF-style: chr22-41177980-C-A. GRCh37 (hg19) VCF-style: chr22-41573984-C-A.
Other names: c.6191C>A, p.Ala2064Asp (NM_001362843.2); short protein forms A2064D, A2090D.
Identifiers: ClinVar variation 3349551 (VCV003349551.1).